The following is an entry in ClinVar:

NM_004859.4(CLTC):c.1787C>G (p.Ala596Gly)

Gene: CLTC (clathrin heavy chain; plus strand). Cytogenetic location: 17q23.1.
Variant type: single nucleotide variant.
Coding change: c.1787C>G on transcript NM_004859.4 (MANE Select); coding-DNA position 1787, C replaced by G.
Protein change: p.Ala596Gly; replaces alanine 596 with glycine.
Molecular consequence: missense variant.
Genome position (GRCh38, 1-based): chr17:59,666,484, C>G. VCF-style: chr17-59666484-C-G. GRCh37 (hg19) VCF-style: chr17-57743845-C-G.
Other names: c.1799C>G, p.Ala600Gly (NM_001288653.2); short protein forms A600G, A596G.
Identifiers: ClinVar variation 3653313 (VCV003653313.2).

ClinVar aggregate classification (germline): Uncertain significance (1 of 4 stars; one submission).

Submission:

Labcorp Genetics (formerly Invitae), Labcorp
Classification: Uncertain significance. Last evaluated: 2024-05-14. Review status: criteria provided, single submitter. Criteria: Invitae Variant Classification Sherloc (09022015). Collection method: clinical testing. Allele origin: germline.
Comment: This sequence change replaces alanine, which is neutral and non-polar, with glycine, which is neutral and non-polar, at codon 600 of the CLTC protein (p.Ala600Gly). This variant is not present in population databases (gnomAD no frequency). This variant has not been reported in the literature in individuals affected with CLTC-related conditions. Advanced modeling of protein sequence and biophysical properties (such as structural, functional, and spatial information, amino acid conservation, physicochemical variation, residue mobility, and thermodynamic stability) performed at Invitae indicates that this missense variant is expected to disrupt CLTC protein function with a positive predictive value of 80%. In summary, the available evidence is currently insufficient to determine the role of this variant in disease. Therefore, it has been classified as a Variant of Uncertain Significance.